The following is an entry in ClinVar:

NM_002241.5(KCNJ10):c.605A>G (p.Asn202Ser)

Gene: KCNJ10 (potassium inwardly rectifying channel subfamily J member 10; minus strand). Cytogenetic location: 1q23.2.
Variant type: single nucleotide variant.
Coding change: c.605A>G on transcript NM_002241.5 (MANE Select); coding-DNA position 605, A replaced by G.
Protein change: p.Asn202Ser; replaces asparagine 202 with serine.
Molecular consequence: missense variant.
Genome position (GRCh38, 1-based): chr1:160,041,928, T>C on the plus strand (A>G on the coding strand, the complement: KCNJ10 is on the minus strand). VCF-style: chr1-160041928-T-C. GRCh37 (hg19) VCF-style: chr1-160011718-T-C.
Other names: short protein forms N202S.
Identifiers: ClinVar variation 1525771 (VCV001525771.5), dbSNP rs2101924864, ClinGen allele CA343226264.

ClinVar aggregate classification (germline): Uncertain significance (1 of 4 stars; one submission).

Conditions:
EAST syndrome (SESAMES). Also called: SEIZURES, SENSORINEURAL DEAFNESS, ATAXIA, IMPAIRED INTELLECTUAL DEVELOPMENT, AND ELECTROLYTE IMBALANCE. Identifiers: Orphanet 199343, MedGen C2748572, MONDO:0013005, OMIM 612780.

Allele frequency attached by ClinVar (database versions not stated): gnomAD exomes below 0.00001.
gnomAD v4.1: 1 of 1,613,396 alleles (0.000062%); highest among the groups gnomAD compares: South Asian, 0.0011%; no homozygotes.

Submission:

Labcorp Genetics (formerly Invitae), Labcorp
Classification: Uncertain significance for EAST syndrome. Last evaluated: 2021-09-01. Review status: criteria provided, single submitter. Criteria: Invitae Variant Classification Sherloc (09022015). Collection method: clinical testing. Allele origin: germline.
Comment: This sequence change replaces asparagine with serine at codon 202 of the KCNJ10 protein (p.Asn202Ser). The asparagine residue is highly conserved and there is a small physicochemical difference between asparagine and serine. This variant is not present in population databases (ExAC no frequency). This variant has not been reported in the literature in individuals affected with KCNJ10-related conditions. Algorithms developed to predict the effect of missense changes on protein structure and function are either unavailable or do not agree on the potential impact of this missense change (SIFT: "Deleterious"; PolyPhen-2: "Probably Damaging"; Align-GVGD: "Class C0"). Algorithms developed to predict the effect of sequence changes on RNA splicing suggest that this variant may create or strengthen a splice site. In summary, the available evidence is currently insufficient to determine the role of this variant in disease. Therefore, it has been classified as a Variant of Uncertain Significance.